The following is an entry in ClinVar:

ClinVar aggregate classification (germline): Uncertain significance (1 of 4 stars; one submission).

Conditions:
Wilson disease (WND). Also called: Wilson's disease. Identifiers: Orphanet 905, MedGen C0019202, MONDO:0010200, OMIM 277900. Disease mechanism: loss of function.

Submission:

All of Us Research Program, National Institutes of Health
Classification: Uncertain significance for Wilson disease. Last evaluated: 2023-06-26. Review status: criteria provided, single submitter. Criteria: ACMG Guidelines, 2015. Collection method: clinical testing. Allele origin: germline. Inheritance: Autosomal recessive inheritance. Observed: 1 variant allele, 1 heterozygote.
Comment: This missense variant replaces threonine with alanine at codon 1076 of the ATP7B protein. Computational prediction suggests that this variant may not impact protein structure and function (internally defined REVEL score threshold <= 0.5, PMID: 27666373). To our knowledge, functional studies have not been reported for this variant. This variant has not been reported in individuals affected with ATP7B-related disorders in the literature. This variant has not been identified in the general population by the Genome Aggregation Database (gnomAD). The available evidence is insufficient to determine the role of this variant in disease conclusively. Therefore, this variant is classified as a Variant of Uncertain Significance.

This study involves interpretation of variants in research participants for the purpose of population health screening. Participant phenotype was not available at the time of variant classification. Additional details can be found in publication PMID: 35346344, PMCID: PMC8962531

NM_000053.4(ATP7B):c.3226A>G (p.Thr1076Ala)

Gene: ATP7B (ATPase copper transporting beta; minus strand). Cytogenetic location: 13q14.3.
Variant type: single nucleotide variant.
Coding change: c.3226A>G on transcript NM_000053.4 (MANE Select); coding-DNA position 3226, A replaced by G.
Protein change: p.Thr1076Ala; replaces threonine 1076 with alanine.
Molecular consequence: missense variant. On other transcripts: intron variant (1).
Genome position (GRCh38, 1-based): chr13:51,944,126, T>C on the plus strand (A>G on the coding strand, the complement: ATP7B is on the minus strand). VCF-style: chr13-51944126-T-C. GRCh37 (hg19) VCF-style: chr13-52518262-T-C.
Other names: c.2605A>G, p.Thr869Ala (NM_001005918.3); c.2893A>G, p.Thr965Ala (NM_001243182.2); c.2992A>G, p.Thr998Ala (NM_001330578.2, NM_001406527.1, NM_001406528.1 and 1 more transcripts); c.2974A>G, p.Thr992Ala (NM_001330579.2, NM_001406531.1, NM_001406532.1); c.3226A>G, p.Thr1076Ala (NM_001406511.1, NM_001406512.1, NM_001406526.1); c.3220A>G, p.Thr1074Ala (NM_001406513.1); c.3193A>G, p.Thr1065Ala (NM_001406514.1); c.3172A>G, p.Thr1058Ala (NM_001406515.1, NM_001406516.1); and 19 more; short protein forms T1011A, T1017A, T1028A, T1031A, T1044A, T1058A, T1065A, T1074A.
Identifiers: ClinVar variation 3071932 (VCV003071932.1), dbSNP rs2547626879, ClinGen allele CA388029811.
Genomic context (GRCh38, chr13:51,944,126, plus strand): 5'-GAGCATTGGCGGGGAGGGCAGGGCCACGCCCAAGTCCACGTACCTCTTTACAGTATTTGG[T>C]GACTGCCACGCCCAAGGGGTGTTCACTGCTGGCCTCCGCAGTCCCCACCACAGCCAGAAC-3'
Protein context (NP_000044.2, residues 1066-1086): SSEHPLGVAV[Thr1076Ala]KYCKEELGTE